The following is an entry in ClinVar:

NM_006206.6(PDGFRA):c.*6G>C

Gene: PDGFRA (platelet derived growth factor receptor alpha; plus strand). Cytogenetic location: 4q12.
Variant type: single nucleotide variant.
Coding change: c.*6G>C on transcript NM_006206.6 (MANE Select); 6 bases downstream of the stop codon, G replaced by C.
Molecular consequence: 3 prime UTR variant.
Genome position (GRCh38, 1-based): chr4:54,295,278, G>C. VCF-style: chr4-54295278-G-C. GRCh37 (hg19) VCF-style: chr4-55161445-G-C.
Other names: c.*6G>C (NM_001347828.2, NM_001347829.2, NM_001347830.2).
Identifiers: ClinVar variation 4876049 (VCV004876049.1).

ClinVar aggregate classification (germline): Benign (1 of 4 stars; one submission).

Conditions:
Polyps, multiple and recurrent inflammatory fibroid, gastrointestinal. Identifiers: MedGen C5193005, MONDO:0008285, OMIM 175510.

gnomAD v4.1: 10 of 1,613,852 alleles (0.00062%); highest among the groups gnomAD compares: Non-Finnish European, 0.00076%; no homozygotes.

Submission:

Myriad Genetics, Inc.
Classification: Benign for Polyps, multiple and recurrent inflammatory fibroid, gastrointestinal. Last evaluated: 2026-06-18. Review status: criteria provided, single submitter. Criteria: Myriad Autosomal Dominant, Autosomal Recessive and X-Linked Classification Criteria (2023). Collection method: clinical testing. Allele origin: unknown.
Comment: This variant is considered benign. This variant occurs in the non-coding 3' untranslated region of the gene, and is not expected to impact protein function.